The following is an entry in ClinVar:

ClinVar aggregate classification (germline): Benign. Review status: criteria provided, multiple submitters, no conflicts (2 of 4 stars). 4 submissions from 4 submitters: Benign (3). 1 of the submissions does not count toward it. Last evaluated 2025-02-01.

Conditions:
MYO16-related disorder. Also called: MYO16-related condition.

Allele frequency attached by ClinVar (database versions not stated): 1000 Genomes Project 0.00240; 1000 Genomes Project 30x 0.00281; gnomAD exomes 0.00584 and 0.01037; TOPMed 0.00627; gnomAD 0.00663 and 0.00685; ESP Exome Variant Server 0.00715; ExAC 0.00727.
gnomAD v4.1: 15,253 of 1,543,394 alleles (0.99%); highest among the groups gnomAD compares: Non-Finnish European, 1.3%; 99 homozygotes.

Submissions (4):

CeGaT Center for Human Genetics Tuebingen
Classification: Benign. Last evaluated: 2025-02-01. Review status: criteria provided, single submitter. Criteria: CeGaT Center For Human Genetics Tuebingen Variant Classification Criteria Version 2. Collection method: clinical testing. Allele origin: germline. Affected: yes. Observed: 1 variant allele.
Comment: MYO16: BP4, BS1, BS2

Labcorp Genetics (formerly Invitae), Labcorp
Classification: Benign. Last evaluated: 2019-12-31. Review status: criteria provided, single submitter. Criteria: Invitae Variant Classification Sherloc (09022015). Collection method: clinical testing. Allele origin: germline.

Breakthrough Genomics
Classification: Benign. Review status: criteria provided, single submitter. Criteria: ACMG Guidelines, 2015. Collection method: not provided. Allele origin: germline. Inheritance: Unknown mechanism. Affected: yes.

PreventionGenetics, part of Exact Sciences
Classification: Benign for MYO16-related condition. Last evaluated: 2019-02-20. Review status: no assertion criteria provided. Collection method: clinical testing. Allele origin: germline. Not counted in ClinVar's aggregate classification.
Comment: This variant is classified as benign based on ACMG/AMP sequence variant interpretation guidelines (Richards et al. 2015 PMID: 25741868, with internal and published modifications).

NM_001198950.3(MYO16):c.1249-6C>T

Gene: MYO16 (myosin XVI; plus strand). Cytogenetic location: 13q33.3.
Variant type: single nucleotide variant.
Coding change: c.1249-6C>T on transcript NM_001198950.3 (MANE Select); 6 bases into the intron before coding-DNA position 1249, C replaced by T.
Molecular consequence: intron variant.
Genome position (GRCh38, 1-based): chr13:108,855,437, C>T. VCF-style: chr13-108855437-C-T. GRCh37 (hg19) VCF-style: chr13-109507785-C-T.
Other names: c.1183-6C>T (NM_015011.3).
Identifiers: ClinVar variation 782337 (VCV000782337.20), dbSNP rs117493931, ClinGen allele CA7044683.